The following is an entry in ClinVar:

ClinVar aggregate classification (germline): Pathogenic (1 of 4 stars; one submission).

Submission:

Labcorp Genetics (formerly Invitae), Labcorp
Classification: Pathogenic. Last evaluated: 2023-01-24. Review status: criteria provided, single submitter. Criteria: Invitae Variant Classification Sherloc (09022015). Collection method: clinical testing. Allele origin: germline.
Comment: For these reasons, this variant has been classified as Pathogenic. Algorithms developed to predict the effect of sequence changes on RNA splicing suggest that this variant may disrupt the consensus splice site. This variant has not been reported in the literature in individuals affected with LRP2-related conditions. This variant is not present in population databases (gnomAD no frequency). This sequence change creates a premature translational stop signal (p.Gln4323*) in the LRP2 gene. It is expected to result in an absent or disrupted protein product. Loss-of-function variants in LRP2 are known to be pathogenic (PMID: 17632512, 25682901).

Literature cited by the submitters: PubMed 17632512; PubMed 25682901.

NM_004525.3(LRP2):c.12967C>T (p.Gln4323Ter)

Gene: LRP2 (LDL receptor related protein 2; minus strand). Cytogenetic location: 2q31.1.
Variant type: single nucleotide variant.
Coding change: c.12967C>T on transcript NM_004525.3 (MANE Select); coding-DNA position 12967, C replaced by T.
Protein change: p.Gln4323Ter; replaces glutamine 4323 with a stop codon.
Molecular consequence: nonsense.
Genome position (GRCh38, 1-based): chr2:169,145,768, G>A on the plus strand (C>T on the coding strand, the complement: LRP2 is on the minus strand). VCF-style: chr2-169145768-G-A. GRCh37 (hg19) VCF-style: chr2-170002278-G-A.
Other names: short protein forms Q4323*.
Identifiers: ClinVar variation 2831467 (VCV002831467.3), dbSNP rs2545660709, ClinGen allele CA349126964.